The following is an entry in ClinVar:

ClinVar aggregate classification (germline): Uncertain significance (1 of 4 stars; one submission).

Conditions:
Inclusion body myopathy with early-onset Paget disease with or without frontotemporal dementia 2 (IBMPFD2). Also called: MULTISYSTEM PROTEINOPATHY 2. Identifiers: MedGen C3809468, MONDO:0014178, OMIM 615422.

Submission:

Labcorp Genetics (formerly Invitae), Labcorp
Classification: Uncertain significance for Inclusion body myopathy with early-onset Paget disease with or without frontotemporal dementia 2. Last evaluated: 2024-10-21. Review status: criteria provided, single submitter. Criteria: Invitae Variant Classification Sherloc (09022015). Collection method: clinical testing. Allele origin: germline.
Comment: This sequence change replaces phenylalanine, which is neutral and non-polar, with cysteine, which is neutral and slightly polar, at codon 227 of the HNRNPA2B1 protein (p.Phe227Cys). This variant is not present in population databases (gnomAD no frequency). This variant has not been reported in the literature in individuals affected with HNRNPA2B1-related conditions. Invitae Evidence Modeling of protein sequence and biophysical properties (such as structural, functional, and spatial information, amino acid conservation, physicochemical variation, residue mobility, and thermodynamic stability) has been performed for this missense variant. However, the output from this modeling did not meet the statistical confidence thresholds required to predict the impact of this variant on HNRNPA2B1 protein function. In summary, the available evidence is currently insufficient to determine the role of this variant in disease. Therefore, it has been classified as a Variant of Uncertain Significance.

NM_002137.4(HNRNPA2B1):c.644T>G (p.Phe215Cys)

Gene: HNRNPA2B1 (heterogeneous nuclear ribonucleoprotein A2/B1; minus strand). Cytogenetic location: 7p15.2.
Variant type: single nucleotide variant.
Coding change: c.644T>G on transcript NM_002137.4 (MANE Select); coding-DNA position 644, T replaced by G.
Protein change: p.Phe215Cys; replaces phenylalanine 215 with cysteine.
Molecular consequence: missense variant.
Genome position (GRCh38, 1-based): chr7:26,196,415, A>C on the plus strand (T>G on the coding strand, the complement: HNRNPA2B1 is on the minus strand). VCF-style: chr7-26196415-A-C. GRCh37 (hg19) VCF-style: chr7-26236035-A-C.
Other names: c.680T>G, p.Phe227Cys (NM_031243.4); short protein forms F215C, F227C.
Identifiers: ClinVar variation 3715761 (VCV003715761.2).